The following is an entry in ClinVar:

NM_002693.3(POLG):c.501_502insA (p.Ala168fs)

Genes: POLG (DNA polymerase gamma, catalytic subunit; minus strand), POLGARF (POLG alternative reading frame; minus strand). Cytogenetic location: 15q26.1.
Variant type: Insertion.
Coding change: c.501_502insA on transcript NM_002693.3 (MANE Select); coding-DNA positions 501 to 502, A inserted.
Protein change: p.Ala168fs; shifts the reading frame from alanine 168.
Molecular consequence: frameshift variant.
Genome position: GRCh38 VCF-style: chr15-89333253-C-CT. GRCh37 (hg19) VCF-style: chr15-89876484-C-CT.
Other names: c.556_557insA, p.Gly186fs (NM_001430120.1); c.501_502insA, p.Ala168fs (NM_001126131.2); short protein forms A168fs, G186fs.
Identifiers: ClinVar variation 5012790 (VCV005012790.1).

ClinVar aggregate classification (germline): Pathogenic (1 of 4 stars; one submission).

Conditions:
POLG-related disorder. Also called: POLG-Related Spectrum Disorders; POLG-related condition; POLG-Related Disorders. Identifiers: MedGen C4763519.

Submission:

Myriad Genetics, Inc.
Classification: Pathogenic for POLG-related disorder. Last evaluated: 2024-03-01. Review status: criteria provided, single submitter. Criteria: Myriad Autosomal Dominant, Autosomal Recessive and X-Linked Classification Criteria (2023). Collection method: clinical testing. Allele origin: unknown.
Comment: NM_002693.2(POLG):c.501_502insA(A168Sfs*76) is expected to be pathogenic in the context of POLG-related disorders. This variant is predicted to lead to an abnormal or absent protein product due to the creation of a premature termination codon in POLG, a gene where loss-of-function variants are known to be pathogenic. Please note: this variant was assessed in the context of healthy population screening.